The following is an entry in ClinVar:

ClinVar aggregate classification (germline): Conflicting classifications of pathogenicity. Review status: criteria provided, conflicting classifications (1 of 4 stars). 5 submissions from 5 submitters: Uncertain significance (2); Benign (1); Likely benign (1). 1 of the submissions does not count toward it. Last evaluated 2026-02-01.

Conditions:
Nemaline myopathy 2 (NEM2). Also called: Nemaline myopathy 2, autosomal recessive. Identifiers: MedGen C1850569, MONDO:0009725, OMIM 256030.
Inborn genetic diseases. Identifiers: MedGen C0950123, MeSH D030342.

Allele frequency attached by ClinVar (database versions not stated): gnomAD exomes 0.00001 and 0.00003; ExAC 0.00002; ESP Exome Variant Server 0.00008; gnomAD 0.00012 and 0.00014; TOPMed 0.00013.
gnomAD v4.1: 32 of 1,610,710 alleles (0.002%); highest among the groups gnomAD compares: African/African-American, 0.036%; no homozygotes.

Submissions (5):

CeGaT Center for Human Genetics Tuebingen
Classification: Likely benign. Last evaluated: 2026-02-01. Review status: criteria provided, single submitter. Criteria: CeGaT Center For Human Genetics Tuebingen Variant Classification Criteria Version 2. Collection method: clinical testing. Allele origin: germline. Affected: yes. Observed: 1 variant allele.
Comment: NEB: BP4

Labcorp Genetics (formerly Invitae), Labcorp
Classification: Benign for Nemaline myopathy 2. Last evaluated: 2026-01-14. Review status: criteria provided, single submitter. Criteria: Invitae Variant Classification Sherloc (09022015). Collection method: clinical testing. Allele origin: germline.

Ambry Genetics
Classification: Uncertain significance for Inborn genetic diseases. Last evaluated: 2025-09-28. Review status: criteria provided, single submitter. Criteria: Ambry Variant Classification Scheme 2023. Collection method: clinical testing. Allele origin: germline.

Revvity Omics, Revvity
Classification: Uncertain significance. Last evaluated: 2019-03-15. Review status: criteria provided, single submitter. Criteria: ACMG Guidelines, 2015. Collection method: clinical testing. Allele origin: germline.

Natera, Inc.
Classification: Uncertain significance for Nemaline myopathy type 2. Last evaluated: 2019-11-11. Review status: no assertion criteria provided. Collection method: clinical testing. Allele origin: germline. Not counted in ClinVar's aggregate classification.

NM_001164508.2(NEB):c.1187C>T (p.Ala396Val)

Gene: NEB (nebulin; minus strand). Cytogenetic location: 2q23.3.
Variant type: single nucleotide variant.
Coding change: c.1187C>T on transcript NM_001164508.2 (MANE Select); coding-DNA position 1187, C replaced by T.
Protein change: p.Ala396Val; replaces alanine 396 with valine.
Molecular consequence: missense variant.
Genome position (GRCh38, 1-based): chr2:151,697,614, G>A on the plus strand (C>T on the coding strand, the complement: NEB is on the minus strand). VCF-style: chr2-151697614-G-A. GRCh37 (hg19) VCF-style: chr2-152554128-G-A.
Other names: c.1187C>T (NM_004543.4); c.1187C>T, p.Ala396Val (NM_001164507.2, NM_001271208.2, NM_004543.5); short protein forms A396V.
Identifiers: ClinVar variation 573900 (VCV000573900.17), dbSNP rs369957704, ClinGen allele CA1911661.
Genomic context (GRCh38, chr2:151,697,614, plus strand): 5'-AAGTTCTGCAGAACAGTATCGAGCTTGAATTTGGGGGTCTCGCAGTAATTTATGCTCTTT[G>A]CTTTTGTCTTTTCATAGTTTTCCTTGTATAGTTTCTGTCAAAGAAAAAAAATTCAGTTAA-3'
Protein context (NP_001157980.2, residues 386-406): LYKENYEKTK[Ala396Val]KSINYCETPK